The following is an entry in ClinVar:

NM_007327.4(GRIN1):c.231G>A (p.Ser77=)

Gene: GRIN1 (glutamate ionotropic receptor NMDA type subunit 1; plus strand). Cytogenetic location: 9q34.3.
Variant type: single nucleotide variant.
Coding change: c.231G>A on transcript NM_007327.4 (MANE Select); coding-DNA position 231, G replaced by A.
Protein change: p.Ser77=; no amino-acid change (serine 77 retained).
Molecular consequence: synonymous variant.
Genome position (GRCh38, 1-based): chr9:137,139,717, G>A. VCF-style: chr9-137139717-G-A. GRCh37 (hg19) VCF-style: chr9-140034169-G-A.
Other names: c.231G>A, p.Ser77= (NM_000832.7, NM_001185090.2, NM_001185091.2 and 1 more transcripts).
Identifiers: ClinVar variation 810479 (VCV000810479.43), dbSNP rs1219867246, ClinGen allele CA467788655.

ClinVar aggregate classification (germline): Likely benign. Review status: criteria provided, multiple submitters, no conflicts (2 of 4 stars). 2 submissions from 2 submitters: Likely benign (2). Last evaluated 2024-04-01.

Submissions (2):

CeGaT Center for Human Genetics Tuebingen
Classification: Likely benign. Last evaluated: 2024-04-01. Review status: criteria provided, single submitter. Criteria: CeGaT Center For Human Genetics Tuebingen Variant Classification Criteria Version 2. Collection method: clinical testing. Allele origin: germline. Affected: yes. Observed: 4 variant alleles.
Comment: GRIN1: BP4, BP7

Blueprint Genetics
Classification: Likely benign. Last evaluated: 2023-03-08. Review status: criteria provided, single submitter. Criteria: ACMG Guidelines, 2015. Collection method: clinical testing. Allele origin: germline.